The following is an entry in ClinVar:

NM_000455.5(STK11):c.735-16_735-15del

Gene: STK11 (serine/threonine kinase 11; plus strand). Cytogenetic location: 19p13.3.
Variant type: Deletion.
Coding change: c.735-16_735-15del on transcript NM_000455.5 (MANE Select); 16 bases into the intron before coding-DNA position 735 through 15 bases into the intron before coding-DNA position 735, 2 bases deleted (TC; older notation c.735-16_735-15delTC).
Molecular consequence: intron variant.
Genome position (GRCh38, 1-based): chr19:1,221,197-1,221,198, TC deleted; deleting any 2 consecutive bases within chr19:1,221,196-1,221,198 gives the same sequence; the c. name uses the placement nearest the transcript's 3' end. VCF-style (leftmost placement, unchanged base first): chr19-1221195-CCT-C. GRCh37 (hg19) VCF-style: chr19-1221194-CCT-C.
Other names: c.735-16_735-15delTC (NM_000455.4).
Identifiers: ClinVar variation 420516 (VCV000420516.15), dbSNP rs775965325, ClinGen allele CA048802.
Genomic context (GRCh38, chr19:1,221,195, plus strand): 5'-CCTGGGGTAGAGCTGGGGCTCCTAGGGCGTCAACCACCTTGACTGACCACGCCTTTCTTC[CCT>C]CCCCTCGAAATGAAGCTACAACATCACCACGGGTCTGTACCCCTTCGAAGGGGACAACAT-3'

ClinVar aggregate classification (germline): Conflicting classifications of pathogenicity. Review status: criteria provided, conflicting classifications (1 of 4 stars). 5 submissions from 5 submitters: Uncertain significance (2); Likely benign (3). Last evaluated 2025-11-05.

Conditions:
Peutz-Jeghers syndrome (PJS). Also called: Peutz-Jeghers polyposis; Periorificial lentiginosis syndrome; POLYPOSIS, HAMARTOMATOUS INTESTINAL; POLYPS-AND-SPOTS SYNDROME. Identifiers: Orphanet 2869, MedGen C0031269, MeSH D010580, MONDO:0008280, OMIM 175200.
Hereditary cancer-predisposing syndrome. Also called: Hereditary neoplastic syndrome; Hereditary Cancer Syndrome; Neoplastic Syndromes, Hereditary; Tumor predisposition. Identifiers: Orphanet 140162, MedGen C0027672, MeSH D009386, MONDO:0015356.

Submissions (5):

Labcorp Genetics (formerly Invitae), Labcorp
Classification: Likely benign for Peutz-Jeghers syndrome. Last evaluated: 2025-11-05. Review status: criteria provided, single submitter. Criteria: Invitae Variant Classification Sherloc (09022015). Collection method: clinical testing. Allele origin: germline.

Myriad Genetics, Inc.
Classification: Likely benign for Peutz-Jeghers syndrome. Last evaluated: 2025-03-27. Review status: criteria provided, single submitter. Criteria: Myriad Autosomal Dominant, Autosomal Recessive and X-Linked Classification Criteria (2023). Collection method: clinical testing. Allele origin: unknown.
Comment: This variant is considered likely benign. This variant is intronic and is not expected to impact mRNA splicing.

Genome-Nilou Lab
Classification: Uncertain significance for Peutz-Jeghers syndrome. Last evaluated: 2021-07-15. Review status: criteria provided, single submitter. Criteria: ACMG Guidelines, 2015. Collection method: clinical testing. Allele origin: germline. Affected: no.

Color Diagnostics, LLC DBA Color Health
Classification: Likely benign for Hereditary cancer-predisposing syndrome. Last evaluated: 2017-08-23. Review status: criteria provided, single submitter. Criteria: ACMG Guidelines, 2015. Collection method: clinical testing. Allele origin: germline.

GeneDx
Classification: Uncertain significance. Last evaluated: 2017-04-06. Review status: criteria provided, single submitter. Criteria: GeneDx Variant Classification (06012015). Collection method: clinical testing. Allele origin: germline. Affected: yes.
Comment: This variant is denoted STK11 c.735-16_735-15delTC or IVS5-16_IVS5-15delTC and consists of a deletion of two nucleotides at the -15 to -16 position in intron 5 of the STK11 gene. The normal sequence with the bases that are deleted in braces is tccc[tc]ccct. STK11 c.735-16_735-15delTC was not observed in approximately 6,500 individuals of European and African American ancestry in the NHLBI Exome Sequencing Project, suggesting it is not a common benign variant in these populations. This variant has not, to our knowledge, been published in the literature as pathogenic or benign. The nucleotides that are deleted are not conserved. This intronic variant has the potential to cause incorrect splicing, but in silico splicing models are uninformative. Therefore, based on currently available information, it is unclear whether STK11 c.735-16_735-15delTC is a pathogenic variant or a benign variant. We consider it to be a variant of uncertain significance.